The following is an entry in ClinVar:

NM_033448.3(KRT71):c.1063A>T (p.Ile355Phe)

Gene: KRT71 (keratin 71; minus strand). Cytogenetic location: 12q13.13.
Variant type: single nucleotide variant.
Coding change: c.1063A>T on transcript NM_033448.3 (MANE Select); coding-DNA position 1063, A replaced by T.
Protein change: p.Ile355Phe; replaces isoleucine 355 with phenylalanine.
Molecular consequence: missense variant.
Genome position (GRCh38, 1-based): chr12:52,547,898, T>A on the plus strand (A>T on the coding strand, the complement: KRT71 is on the minus strand). VCF-style: chr12-52547898-T-A. GRCh37 (hg19) VCF-style: chr12-52941682-T-A.
Other names: short protein forms I355F.
Identifiers: ClinVar variation 778636 (VCV000778636.12), dbSNP rs35988863, ClinGen allele CA6583206.

ClinVar aggregate classification (germline): Benign. Review status: criteria provided, multiple submitters, no conflicts (2 of 4 stars). 3 submissions from 3 submitters: Benign (2). 1 of the submissions does not count toward it. Last evaluated 2026-01-05.

Conditions:
KRT71-related disorder. Also called: KRT71-related condition.

Allele frequency attached by ClinVar (database versions not stated): gnomAD exomes 0.00323; ExAC 0.00350; 1000 Genomes Project 0.00899; 1000 Genomes Project 30x 0.01062; gnomAD 0.01168 and 0.01245; ESP Exome Variant Server 0.01215; TOPMed 0.01342.
gnomAD v4.1: 4,144 of 1,614,168 alleles (0.26%); highest among the groups gnomAD compares: African/African-American, 4%; 83 homozygotes.

Submissions (3):

Labcorp Genetics (formerly Invitae), Labcorp
Classification: Benign. Last evaluated: 2026-01-05. Review status: criteria provided, single submitter. Criteria: Invitae Variant Classification Sherloc (09022015). Collection method: clinical testing. Allele origin: germline.

Breakthrough Genomics
Classification: Benign. Review status: criteria provided, single submitter. Criteria: ACMG Guidelines, 2015. Collection method: not provided. Allele origin: germline. Inheritance: Autosomal dominant inheritance. Affected: yes.

PreventionGenetics, part of Exact Sciences
Classification: Benign for KRT71-related condition. Last evaluated: 2019-10-29. Review status: no assertion criteria provided. Collection method: clinical testing. Allele origin: germline. Not counted in ClinVar's aggregate classification.
Comment: This variant is classified as benign based on ACMG/AMP sequence variant interpretation guidelines (Richards et al. 2015 PMID: 25741868, with internal and published modifications).